The following is an entry in ClinVar:

NM_000169.3(GLA):c.1019G>A (p.Trp340Ter)

Genes: GLA (galactosidase alpha; minus strand), RPL36A-HNRNPH2 (RPL36A-HNRNPH2 readthrough; plus strand). Cytogenetic location: Xq22.1.
Variant type: single nucleotide variant.
Coding change: c.1019G>A on transcript NM_000169.3 (MANE Select); coding-DNA position 1019, G replaced by A.
Protein change: p.Trp340Ter; replaces tryptophan 340 with a stop codon.
Molecular consequence: nonsense. On other transcripts: non-coding transcript variant (3), intron variant (2).
Genome position (GRCh38, 1-based): chrX:101,398,080, C>T on the plus strand (G>A on the coding strand, the complement: GLA is on the minus strand). VCF-style: chrX-101398080-C-T. GRCh37 (hg19) VCF-style: chrX-100653068-C-T.
Other names: c.1142G>A, p.Trp381Ter (NM_001406747.1); c.300+2623C>T (NM_001199973.2); c.177+6258C>T (NM_001199974.2); short protein forms W340*, W381*.
Identifiers: ClinVar variation 2138660 (VCV002138660.8), dbSNP rs730880440, ClinGen allele CA021293.

ClinVar aggregate classification (germline): Pathogenic. Review status: criteria provided, multiple submitters, no conflicts (2 of 4 stars). 4 submissions from 4 submitters: Pathogenic (3). 1 of the submissions does not count toward it. Last evaluated 2026-09-08.

Conditions:
Cardiovascular phenotype. Identifiers: MedGen CN230736.
Fabry disease. Also called: Fabry's disease; GLA DEFICIENCY; HEREDITARY DYSTOPIC LIPIDOSIS; ANDERSON-FABRY DISEASE; CERAMIDE TRIHEXOSIDASE DEFICIENCY; Ceramide trihexosidosis. Identifiers: Orphanet 324, MedGen C0002986, MONDO:0010526, OMIM 301500, HP:0001071. Disease mechanism: loss of function, Fabry disease is due to inactivating mutations in the X-linked GLA gene resulting in deficiency of the enzyme Alpha Galactosidase-A..
GLA-related disorder. Also called: GLA-related condition.

Submissions (4):

Genomenon, Inc
Classification: Pathogenic for Fabry disease. Last evaluated: 2026-09-08. Review status: criteria provided, single submitter. Criteria: Genomenon Sequence Variant Interpretation Standards - Updated. Collection method: curation. Allele origin: germline. Affected: yes.
Comment: GLA p.Trp340Ter (c.1019G>A) is a nonsense variant that introduces a premature stop codon at amino acid position 340 and is predicted to result in a truncated or absent protein product. This variant has been observed in at least one proband with clinical features consistent with Fabry disease (PMID:31243236;37542614). The variant was found to segregate with disease in at least one affected family (PMID:31243236). At least one functional study has demonstrated a substantial alteration in protein function relative to the wild-type (PMID:31613176). It is absent or not present at a significant frequency in gnomAD. In conclusion, we classify GLA p.Trp340Ter (c.1019G>A) as a pathogenic variant.

Ambry Genetics
Classification: Pathogenic for Cardiovascular phenotype. Last evaluated: 2024-09-05. Review status: criteria provided, single submitter. Criteria: Ambry Variant Classification Scheme 2023. Collection method: clinical testing. Allele origin: germline.
Comment: The p.W340* pathogenic mutation (also known as c.1019G>A), located in coding exon 7 of the GLA gene, results from a G to A substitution at nucleotide position 1019. This changes the amino acid from a tryptophan to a stop codon within coding exon 7. This alteration occurs at the 3' terminus of theGLA gene, is not expected to trigger nonsense-mediated mRNA decay, and only impacts the last 20% of the protein. However, premature stop codons are typically deleterious in nature and a significant portion of the protein is affected (Ambry internal data). This alteration has been reported in individuals with Fabry disease (Eng CM et al. Am J Hum Genet, 1993 Dec;53:1186-97; Nakano S et al. PLoS One, 2015 Jun;10:e0128351; Yano T et al. Circ Heart Fail, 2017 Dec;10:[ePub ahead of print]; Kato Y et al. Intern Med, 2019 Oct;58:2993-3000). This variant is considered to be rare based on population cohorts in the Genome Aggregation Database (gnomAD). Based on the supporting evidence, this variant is interpreted as a disease-causing mutation.

Labcorp Genetics (formerly Invitae), Labcorp
Classification: Pathogenic for Fabry disease. Last evaluated: 2024-05-02. Review status: criteria provided, single submitter. Criteria: Invitae Variant Classification Sherloc (09022015). Collection method: clinical testing. Allele origin: germline.
Comment: This sequence change creates a premature translational stop signal (p.Trp340*) in the GLA gene. While this is not anticipated to result in nonsense mediated decay, it is expected to disrupt the last 90 amino acid(s) of the GLA protein. This variant is not present in population databases (gnomAD no frequency). This premature translational stop signal has been observed in individual(s) with Fabry disease (PMID: 7504405, 23935525, 30386727, 31243236). ClinVar contains an entry for this variant (Variation ID: 2138660). Algorithms developed to predict the effect of sequence changes on RNA splicing suggest that this variant may disrupt the consensus splice site. For these reasons, this variant has been classified as Pathogenic.

PreventionGenetics, part of Exact Sciences
Classification: Pathogenic for GLA-related condition. Last evaluated: 2024-07-24. Review status: no assertion criteria provided. Collection method: clinical testing. Allele origin: germline. Not counted in ClinVar's aggregate classification.
Comment: The GLA c.1019G>A variant is predicted to result in premature protein termination (p.Trp340*). This protein level change, caused by c.1019G>A or c.1020G>A, has been reported to be pathogenic for Fabry disease (Kato et al. 2019. PubMed ID: 31243236; Sakuraba et al. 2018. PubMed ID: 30386727; Table S3 of Lukas et al. 2013. PubMed ID: 23935525; Eng et al. 1993. PubMed ID: 7504405). This variant has not been reported in a large population database, indicating this variant is rare. Nonsense variants in GLA are expected to be pathogenic. This variant is interpreted as pathogenic.

Literature cited by the submitters: PubMed 31243236 (cited by 3 submitters); PubMed 37542614 (cited by Genomenon, Inc); PubMed 31613176 (cited by Genomenon, Inc); PubMed 26083343 (cited by Ambry Genetics); PubMed 29203563 (cited by Ambry Genetics); PubMed 7504405 (cited by Ambry Genetics and Labcorp Genetics (formerly Invitae), Labcorp); PubMed 23935525 (cited by Labcorp Genetics (formerly Invitae), Labcorp); PubMed 30386727 (cited by Labcorp Genetics (formerly Invitae), Labcorp).